The following is an entry in ClinVar:

ClinVar aggregate classification (germline): Uncertain significance (1 of 4 stars; one submission).

Conditions:
Tay-Sachs disease (TSD). Also called: HEXA DEFICIENCY; GM2 gangliosidosis, type 1; Hexosaminidase alpha-subunit deficiency (variant B); Sphingolipidosis, Tay-Sachs; Hexosaminidase A Deficiency; HEXA Disorders. Identifiers: Orphanet 845, MedGen C0039373, MONDO:0010100, OMIM 272800.

Submission:

Labcorp Genetics (formerly Invitae), Labcorp
Classification: Uncertain significance for Tay-Sachs disease. Last evaluated: 2021-08-30. Review status: criteria provided, single submitter. Criteria: Invitae Variant Classification Sherloc (09022015). Collection method: clinical testing. Allele origin: germline.
Comment: This sequence change replaces proline with threonine at codon 439 of the HEXA protein (p.Pro439Thr). The proline residue is highly conserved and there is a small physicochemical difference between proline and threonine. This variant is not present in population databases (ExAC no frequency). This variant has not been reported in the literature in individuals with HEXA-related conditions. Algorithms developed to predict the effect of missense changes on protein structure and function are either unavailable or do not agree on the potential impact of this missense change (SIFT: "Deleterious"; PolyPhen-2: "Probably Damaging"; Align-GVGD: "Class C0"). In summary, the available evidence is currently insufficient to determine the role of this variant in disease. Therefore, it has been classified as a Variant of Uncertain Significance.

NM_000520.6(HEXA):c.1315C>A (p.Pro439Thr)

Gene: HEXA (hexosaminidase subunit alpha; minus strand). Cytogenetic location: 15q23.
Variant type: single nucleotide variant.
Coding change: c.1315C>A on transcript NM_000520.6 (MANE Select); coding-DNA position 1315, C replaced by A.
Protein change: p.Pro439Thr; replaces proline 439 with threonine.
Molecular consequence: missense variant.
Genome position (GRCh38, 1-based): chr15:72,346,542, G>T on the plus strand (C>A on the coding strand, the complement: HEXA is on the minus strand). VCF-style: chr15-72346542-G-T. GRCh37 (hg19) VCF-style: chr15-72638883-G-T.
Other names: c.1348C>A, p.Pro450Thr (NM_001318825.2); short protein forms P439T, P450T.
Identifiers: ClinVar variation 1365561 (VCV001365561.8), dbSNP rs2140320594, ClinGen allele CA393060407.